The following is an entry in ClinVar:

ClinVar aggregate classification (germline): Likely pathogenic (1 of 4 stars; one submission).

Submission:

CeGaT Center for Human Genetics Tuebingen
Classification: Likely pathogenic. Last evaluated: 2025-07-01. Review status: criteria provided, single submitter. Criteria: CeGaT Center For Human Genetics Tuebingen Variant Classification Criteria Version 2. Collection method: clinical testing. Allele origin: germline. Affected: yes. Observed: 1 variant allele.
Comment: MEN1: PVS1:Strong, PM2

NM_001370259.2(MEN1):c.1130del (p.Lys377fs)

Gene: MEN1 (menin 1; minus strand). Cytogenetic location: 11q13.1.
Variant type: Deletion.
Coding change: c.1130del on transcript NM_001370259.2 (MANE Select); coding-DNA position 1130, one base deleted (A; older notation c.1130delA).
Protein change: p.Lys377fs; shifts the reading frame from lysine 377.
Molecular consequence: frameshift variant. On other transcripts: non-coding transcript variant (4).
Genome position (GRCh38, 1-based): chr11:64,805,690, T deleted on the plus strand (A on the coding strand, the reverse complement: MEN1 is on the minus strand); the first of 2 consecutive T bases (chr11:64,805,690-64,805,691); deleting either gives the same sequence. VCF-style (leftmost placement, unchanged base first): chr11-64805689-CT-C. GRCh37 (hg19) VCF-style: chr11-64573161-CT-C.
Other names: c.1145del, p.Lys382fs (NM_000244.4, NM_001407145.1, NM_130800.3 and 4 more transcripts); c.1256del, p.Lys419fs (NM_001370251.2, NM_001407142.1, NM_001407143.1 and 1 more transcripts); c.1130del, p.Lys377fs (NM_001370260.2, NM_001370261.2, NM_001407146.1 and 3 more transcripts); c.1025del, p.Lys342fs (NM_001370262.2, NM_001370263.2, NM_001407148.1 and 1 more transcripts); c.1271del, p.Lys424fs (NM_001407150.1); c.1151del, p.Lys384fs (NM_001407151.1); short protein forms K342fs, K377fs, K382fs, K384fs, K419fs, K424fs.
Identifiers: ClinVar variation 4085584 (VCV004085584.8).